The following is an entry in ClinVar:

NM_001135649.3(FOXI3):c.172G>C (p.Gly58Arg)

Gene: FOXI3 (forkhead box I3; minus strand). Cytogenetic location: 2p11.2.
Variant type: single nucleotide variant.
Coding change: c.172G>C on transcript NM_001135649.3 (MANE Select); coding-DNA position 172, G replaced by C.
Protein change: p.Gly58Arg; replaces glycine 58 with arginine.
Molecular consequence: missense variant.
Genome position (GRCh38, 1-based): chr2:88,452,364, C>G on the plus strand (G>C on the coding strand, the complement: FOXI3 is on the minus strand). VCF-style: chr2-88452364-C-G. GRCh37 (hg19) VCF-style: chr2-88751882-C-G.
Other names: short protein forms G58R.
Identifiers: ClinVar variation 4692155 (VCV004692155.1).

ClinVar aggregate classification (germline): Uncertain significance (1 of 4 stars; one submission).

Submission:

Labcorp Genetics (formerly Invitae), Labcorp
Classification: Uncertain significance. Last evaluated: 2025-12-15. Review status: criteria provided, single submitter. Criteria: Invitae Variant Classification Sherloc (09022015). Collection method: clinical testing. Allele origin: germline.
Comment: This sequence change replaces glycine, which is neutral and non-polar, with arginine, which is basic and polar, at codon 58 of the FOXI3 protein (p.Gly58Arg). The frequency data for this variant in the population databases is considered unreliable, as metrics indicate insufficient coverage at this position in the gnomAD database. This variant has not been reported in the literature in individuals affected with FOXI3-related conditions. Experimental studies and prediction algorithms are not available or were not evaluated, and the functional significance of this variant is currently unknown. In summary, the available evidence is currently insufficient to determine the role of this variant in disease. Therefore, it has been classified as a Variant of Uncertain Significance.